The following is an entry in ClinVar:

NM_002439.5(MSH3):c.3120_3121insT (p.Leu1041fs)

Gene: MSH3 (mutS homolog 3; plus strand). Cytogenetic location: 5q14.1.
Variant type: Insertion.
Coding change: c.3120_3121insT on transcript NM_002439.5 (MANE Select); coding-DNA positions 3120 to 3121, T inserted.
Protein change: p.Leu1041fs; shifts the reading frame from leucine 1041.
Molecular consequence: frameshift variant.
Genome position: GRCh38 VCF-style: chr5-80864932-A-AT. GRCh37 (hg19) VCF-style: chr5-80160751-A-AT.
Other names: short protein forms L1041fs.
Identifiers: ClinVar variation 2024370 (VCV002024370.4), dbSNP rs2478789412, ClinGen allele CA2580073585.

ClinVar aggregate classification (germline): Pathogenic (1 of 4 stars; one submission).

Submission:

Labcorp Genetics (formerly Invitae), Labcorp
Classification: Pathogenic. Last evaluated: 2022-08-16. Review status: criteria provided, single submitter. Criteria: Invitae Variant Classification Sherloc (09022015). Collection method: clinical testing. Allele origin: germline.
Comment: This sequence change creates a premature translational stop signal (p.Leu1041Serfs*11) in the MSH3 gene. It is expected to result in an absent or disrupted protein product. Loss-of-function variants in MSH3 are known to be pathogenic (PMID: 27476653). This variant is not present in population databases (gnomAD no frequency). This variant has not been reported in the literature in individuals affected with MSH3-related conditions. For these reasons, this variant has been classified as Pathogenic.

Literature cited by the submitters: PubMed 27476653.